The following is an entry in ClinVar:

ClinVar aggregate classification (germline): Uncertain significance (1 of 4 stars; one submission).

Conditions:
PLXNA3-related disorder. Also called: PLXNA3-related condition.

gnomAD v4.1: 11 of 1,120,513 alleles (0.00098%); highest among the groups gnomAD compares: African/African-American, 0.016%; no homozygotes.

Submission:

PreventionGenetics, part of Exact Sciences
Classification: Uncertain significance for PLXNA3-related condition. Last evaluated: 2025-05-27. Review status: criteria provided, single submitter. Criteria: ACMG Guidelines, 2015. Collection method: clinical testing. Allele origin: germline.
Comment: The PLXNA3 c.571G>T variant is predicted to result in the amino acid substitution p.Asp191Tyr. To our knowledge, this variant has not been reported in the literature. This variant is reported in 0.034% of alleles in individuals of African descent in gnomAD, including one hemizygous individual. At this time, the clinical significance of this variant is uncertain due to the absence of conclusive functional and genetic evidence.

NM_017514.5(PLXNA3):c.571G>T (p.Asp191Tyr)

Gene: PLXNA3 (plexin A3; plus strand). Cytogenetic location: Xq28.
Variant type: single nucleotide variant.
Coding change: c.571G>T on transcript NM_017514.5 (MANE Select); coding-DNA position 571, G replaced by T.
Protein change: p.Asp191Tyr; replaces aspartic acid 191 with tyrosine.
Molecular consequence: missense variant.
Genome position (GRCh38, 1-based): chrX:154,460,754, G>T. VCF-style: chrX-154460754-G-T. GRCh37 (hg19) VCF-style: chrX-153689094-G-T.
Other names: short protein forms D191Y.
Identifiers: ClinVar variation 4986561 (VCV004986561.1).